The following is an entry in ClinVar:

NM_032603.5(LOXL3):c.706C>T (p.Arg236Trp)

Gene: LOXL3 (lysyl oxidase like 3; minus strand). Cytogenetic location: 2p13.1.
Variant type: single nucleotide variant.
Coding change: c.706C>T on transcript NM_032603.5 (MANE Select); coding-DNA position 706, C replaced by T.
Protein change: p.Arg236Trp; replaces arginine 236 with tryptophan.
Molecular consequence: missense variant. On other transcripts: intron variant (2).
Genome position (GRCh38, 1-based): chr2:74,536,915, G>A on the plus strand (C>T on the coding strand, the complement: LOXL3 is on the minus strand). VCF-style: chr2-74536915-G-A. GRCh37 (hg19) VCF-style: chr2-74764042-G-A.
Other names: c.478-444C>T (NM_001289164.3); c.-171-444C>T (NM_001289165.2); c.706C>T (NM_032603.4); short protein forms R236W.
Identifiers: ClinVar variation 1544843 (VCV001544843.9), dbSNP rs200536773, ClinGen allele CA1729098.

ClinVar aggregate classification (germline): Likely benign. Review status: criteria provided, multiple submitters, no conflicts (2 of 4 stars). 2 submissions from 2 submitters: Likely benign (2). Last evaluated 2025-12-22.

Conditions:
LOXL3-related disorder. Also called: LOXL3-related condition.

Allele frequency attached by ClinVar (database versions not stated): gnomAD 0.00008 and 0.00009; TOPMed 0.00014.
gnomAD v4.1: 166 of 1,613,984 alleles (0.01%); highest among the groups gnomAD compares: Admixed American, 0.15%; 1 homozygote.

Submissions (2):

Labcorp Genetics (formerly Invitae), Labcorp
Classification: Likely benign. Last evaluated: 2025-12-22. Review status: criteria provided, single submitter. Criteria: Invitae Variant Classification Sherloc (09022015). Collection method: clinical testing. Allele origin: germline.

PreventionGenetics, part of Exact Sciences
Classification: Likely benign for LOXL3-related condition. Last evaluated: 2024-12-06. Review status: criteria provided, single submitter. Criteria: ACMG Guidelines, 2015. Collection method: clinical testing. Allele origin: germline.
Comment: This variant is classified as likely benign based on ACMG/AMP sequence variant interpretation guidelines (Richards et al. 2015 PMID: 25741868, with internal and published modifications).